The following is an entry in ClinVar:

ClinVar aggregate classification (germline): Uncertain significance. Review status: criteria provided, multiple submitters, no conflicts (2 of 4 stars). 2 submissions from 2 submitters: Uncertain significance (2). Last evaluated 2025-04-10.

Conditions:
Gastrointestinal stromal tumor. Also called: Gastrointestinal stromal tumor, somatic; Gastrointestinal stroma tumor. Identifiers: Orphanet 44890, MedGen C0238198, MeSH D046152, MONDO:0011719, OMIM 606764, HP:0100723.

Submissions (2):

GeneDx
Classification: Uncertain significance. Last evaluated: 2025-04-10. Review status: criteria provided, single submitter. Criteria: GeneDx Variant Classification Process June 2021. Collection method: clinical testing. Allele origin: germline. Affected: yes.
Comment: Not observed at significant frequency in large population cohorts (gnomAD); In silico analysis supports that this missense variant has a deleterious effect on protein structure/function; In silico analysis is inconclusive as to whether the variant alters gene splicing. In the absence of RNA/functional studies, the actual effect of this sequence change is unknown.; Has not been previously published as pathogenic or benign to our knowledge

Labcorp Genetics (formerly Invitae), Labcorp
Classification: Uncertain significance for Gastrointestinal stromal tumor. Last evaluated: 2022-11-06. Review status: criteria provided, single submitter. Criteria: Invitae Variant Classification Sherloc (09022015). Collection method: clinical testing. Allele origin: germline.
Comment: This sequence change replaces glycine, which is neutral and non-polar, with glutamic acid, which is acidic and polar, at codon 866 of the KIT protein (p.Gly866Glu). In summary, the available evidence is currently insufficient to determine the role of this variant in disease. Therefore, it has been classified as a Variant of Uncertain Significance. Algorithms developed to predict the effect of sequence changes on RNA splicing suggest that this variant may disrupt the consensus splice site. Algorithms developed to predict the effect of missense changes on protein structure and function (SIFT, PolyPhen-2, Align-GVGD) all suggest that this variant is likely to be disruptive. This variant has not been reported in the literature in individuals affected with KIT-related conditions. This variant is not present in population databases (gnomAD no frequency).

NM_000222.3(KIT):c.2597G>A (p.Gly866Glu)

Gene: KIT (KIT proto-oncogene, receptor tyrosine kinase; plus strand). Cytogenetic location: 4q12.
Variant type: single nucleotide variant.
Coding change: c.2597G>A on transcript NM_000222.3 (MANE Select); coding-DNA position 2597, G replaced by A.
Protein change: p.Gly866Glu; replaces glycine 866 with glutamic acid.
Molecular consequence: missense variant.
Genome position (GRCh38, 1-based): chr4:54,736,721, G>A. VCF-style: chr4-54736721-G-A. GRCh37 (hg19) VCF-style: chr4-55602887-G-A.
Other names: c.2585G>A, p.Gly862Glu (NM_001093772.2, NM_001385292.1); c.2600G>A, p.Gly867Glu (NM_001385284.1); c.2594G>A, p.Gly865Glu (NM_001385285.1); c.2582G>A, p.Gly861Glu (NM_001385286.1); c.2588G>A, p.Gly863Glu (NM_001385288.1); c.2597G>A, p.Gly866Glu (NM_001385290.1); short protein forms G861E, G863E, G862E, G866E, G867E, G865E.
Identifiers: ClinVar variation 2812279 (VCV002812279.4), dbSNP rs2475583511, ClinGen allele CA356913520.